The following is an entry in ClinVar:

ClinVar aggregate classification (germline): Likely pathogenic (1 of 4 stars; one submission).

Conditions:
Brown-Vialetto-van Laere syndrome 1. Also called: BROWN-VIALETTO-VAN LAERE SYNDROME 1, MILD; BULBAR PALSY, PROGRESSIVE, WITH SENSORINEURAL DEAFNESS; PONTOBULBAR PALSY WITH DEAFNESS. Identifiers: Orphanet 572550, Orphanet 97229, MedGen C0796274, MONDO:0024537, OMIM 211530.

Submission:

Labcorp Genetics (formerly Invitae), Labcorp
Classification: Likely pathogenic for Brown-Vialetto-van Laere syndrome 1. Last evaluated: 2022-02-07. Review status: criteria provided, single submitter. Criteria: Invitae Variant Classification Sherloc (09022015). Collection method: clinical testing. Allele origin: germline.
Comment: This sequence change is a complex rearrangement that results in the deletion of exon 3 and part of exon 2 of the SLC52A3 gene. There is also evidence that there is an insertion of a transposable element, however the exact nature of this insertion unknown. This rearrangement is expected to disrupt RNA splicing. Variants that disrupt the donor or acceptor splice site typically lead to a loss of protein function (PMID: 16199547), and loss-of-function variants in SLC52A3 are known to be pathogenic (PMID: 20206331, 22824638, 25462087). In summary, the currently available evidence indicates that the variant is pathogenic, but additional data are needed to prove that conclusively. Therefore, this variant has been classified as Likely Pathogenic. This variant has not been reported in the literature in individuals affected with SLC52A3-related conditions.

Literature cited by the submitters: PubMed 16199547; PubMed 20206331; PubMed 22824638; PubMed 25462087.

NC_000020.10:g.(?_744142)_(745909_?)del

Gene: SLC52A3 (solute carrier family 52 member 3; minus strand). Cytogenetic location: 20p13.
Variant type: Deletion.
Identifiers: ClinVar variation 2427133 (VCV002427133.3).